The following is an entry in ClinVar:

ClinVar aggregate classification (germline): Uncertain significance (1 of 4 stars; one submission).

Conditions:
Hereditary cancer-predisposing syndrome. Also called: Hereditary Cancer Syndrome; Hereditary neoplastic syndrome; Neoplastic Syndromes, Hereditary; Tumor predisposition. Identifiers: Orphanet 140162, MedGen C0027672, MeSH D009386, MONDO:0015356.

Submission:

Ambry Genetics
Classification: Uncertain significance for Hereditary cancer-predisposing syndrome. Last evaluated: 2019-10-24. Review status: criteria provided, single submitter. Criteria: Ambry Variant Classification Scheme 2023. Collection method: clinical testing. Allele origin: germline.
Comment: The p.K207E variant (also known as c.619A>G), located in coding exon 3 of the SMARCA4 gene, results from an A to G substitution at nucleotide position 619. The lysine at codon 207 is replaced by glutamic acid, an amino acid with similar properties. This amino acid position is highly conserved in available vertebrate species. In addition, the in silico prediction for this alteration is inconclusive. Since supporting evidence is limited at this time, the clinical significance of this alteration remains unclear.

NM_003072.5(SMARCA4):c.619A>G (p.Lys207Glu)

Gene: SMARCA4 (SWI/SNF related BAF chromatin remodeling complex subunit ATPase 4; plus strand). Cytogenetic location: 19p13.2.
Variant type: single nucleotide variant.
Coding change: c.619A>G on transcript NM_003072.5 (MANE Select); coding-DNA position 619, A replaced by G.
Protein change: p.Lys207Glu; replaces lysine 207 with glutamic acid.
Molecular consequence: missense variant. On other transcripts: non-coding transcript variant (1).
Genome position (GRCh38, 1-based): chr19:10,986,452, A>G. VCF-style: chr19-10986452-A-G. GRCh37 (hg19) VCF-style: chr19-11097128-A-G.
Other names: c.619A>G, p.Lys207Glu (NM_001128847.4, NM_001128848.2, NM_001128849.3 and 6 more transcripts); short protein forms K207E.
Identifiers: ClinVar variation 1752142 (VCV001752142.2), dbSNP rs2145780714, ClinGen allele CA404056599.